The following is an entry in ClinVar:

ClinVar aggregate classification (germline): Uncertain significance (1 of 4 stars; one submission).

Submission:

Labcorp Genetics (formerly Invitae), Labcorp
Classification: Uncertain significance. Last evaluated: 2024-06-20. Review status: criteria provided, single submitter. Criteria: Invitae Variant Classification Sherloc (09022015). Collection method: clinical testing. Allele origin: germline.
Comment: This sequence change replaces alanine, which is neutral and non-polar, with valine, which is neutral and non-polar, at codon 20 of the GP6 protein (p.Ala20Val). This variant is present in population databases (rs369642453, gnomAD 0.007%). This variant has not been reported in the literature in individuals affected with GP6-related conditions. Algorithms developed to predict the effect of missense changes on protein structure and function output the following: SIFT: "Not Available"; PolyPhen-2: "Benign"; Align-GVGD: "Not Available". The valine amino acid residue is found in multiple mammalian species, which suggests that this missense change does not adversely affect protein function. In summary, the available evidence is currently insufficient to determine the role of this variant in disease. Therefore, it has been classified as a Variant of Uncertain Significance.

NM_016363.5(GP6):c.59C>T (p.Ala20Val)

Gene: GP6 (glycoprotein VI platelet; minus strand). Cytogenetic location: 19q13.42.
Variant type: single nucleotide variant.
Coding change: c.59C>T on transcript NM_016363.5 (MANE Select); coding-DNA position 59, C replaced by T.
Protein change: p.Ala20Val; replaces alanine 20 with valine.
Molecular consequence: missense variant.
Genome position (GRCh38, 1-based): chr19:55,032,514, G>A on the plus strand (C>T on the coding strand, the complement: GP6 is on the minus strand). VCF-style: chr19-55032514-G-A. GRCh37 (hg19) VCF-style: chr19-55543882-G-A.
Other names: c.59C>T, p.Ala20Val (NM_001083899.2, NM_001256017.2); short protein forms A20V.
Identifiers: ClinVar variation 3612320 (VCV003612320.2).
Genomic context (GRCh38, chr19:55,032,514, plus strand): 5'-CTCCCGCGCTGGCGGATCCCGCAGGAGGGAAGGGGTCTGGGGAAGGACTCACCACTCTGC[G>A]CTGGCACACGCCCCAGACACAGCCCTGAGGAAAGAAGAAAGGGACCAGATGCCAGGACTC-3'
Protein context (NP_057447.5, residues 10-30): CLGLCLGRVP[Ala20Val]QSGPLPKPSL